The following is an entry in ClinVar:

NM_032447.5(FBN3):c.3162G>A (p.Glu1054=)

Gene: FBN3 (fibrillin 3; minus strand). Cytogenetic location: 19p13.2.
Variant type: single nucleotide variant.
Coding change: c.3162G>A on transcript NM_032447.5 (MANE Select); coding-DNA position 3162, G replaced by A.
Protein change: p.Glu1054=; no amino-acid change (glutamic acid 1054 retained).
Molecular consequence: synonymous variant.
Genome position (GRCh38, 1-based): chr19:8,121,307, C>T on the plus strand (G>A on the coding strand, the complement: FBN3 is on the minus strand). VCF-style: chr19-8121307-C-T. GRCh37 (hg19) VCF-style: chr19-8186191-C-T.
Other names: c.3162G>A, p.Glu1054= (NM_001321431.2); c.3162G>A (NM_001321431.1).
Identifiers: ClinVar variation 718055 (VCV000718055.12), dbSNP rs138827355, ClinGen allele CA9152554.

ClinVar aggregate classification (germline): Benign. Review status: criteria provided, single submitter (1 of 4 stars). 2 submissions from 2 submitters: Benign (1). 1 of the submissions does not count toward it. Last evaluated 2026-01-07.

Conditions:
FBN3-related disorder. Also called: FBN3-related condition.

Allele frequency attached by ClinVar (database versions not stated): 1000 Genomes Project 30x 0.00031; 1000 Genomes Project 0.00040; TOPMed 0.00134; ExAC 0.00158; gnomAD exomes 0.00161; gnomAD 0.00173 and 0.00180; ESP Exome Variant Server 0.00185.
gnomAD v4.1: 2,614 of 1,613,376 alleles (0.16%); highest among the groups gnomAD compares: Non-Finnish European, 0.21%; 6 homozygotes.

Submissions (2):

Labcorp Genetics (formerly Invitae), Labcorp
Classification: Benign. Last evaluated: 2026-01-07. Review status: criteria provided, single submitter. Criteria: Invitae Variant Classification Sherloc (09022015). Collection method: clinical testing. Allele origin: germline.

PreventionGenetics, part of Exact Sciences
Classification: Likely benign for FBN3-related condition. Last evaluated: 2019-05-02. Review status: no assertion criteria provided. Collection method: clinical testing. Allele origin: germline. Not counted in ClinVar's aggregate classification.
Comment: This variant is classified as likely benign based on ACMG/AMP sequence variant interpretation guidelines (Richards et al. 2015 PMID: 25741868, with internal and published modifications).